The following is an entry in ClinVar:

NM_006096.4(NDRG1):c.1057C>T (p.Arg353Cys)

Gene: NDRG1 (N-myc downstream regulated 1; minus strand). Cytogenetic location: 8q24.22.
Variant type: single nucleotide variant.
Coding change: c.1057C>T on transcript NM_006096.4 (MANE Select); coding-DNA position 1057, C replaced by T.
Protein change: p.Arg353Cys; replaces arginine 353 with cysteine.
Molecular consequence: missense variant.
Genome position (GRCh38, 1-based): chr8:133,239,006, G>A on the plus strand (C>T on the coding strand, the complement: NDRG1 is on the minus strand). VCF-style: chr8-133239006-G-A. GRCh37 (hg19) VCF-style: chr8-134251249-G-A.
Other names: c.1057C>T, p.Arg353Cys (NM_001135242.2, NM_001374845.1, NM_001374846.1); c.859C>T, p.Arg287Cys (NM_001258432.2, NM_001374847.1); c.814C>T, p.Arg272Cys (NM_001258433.2); c.1108C>T, p.Arg370Cys (NM_001374844.1); short protein forms R272C, R287C, R353C, R370C.
Identifiers: ClinVar variation 937984 (VCV000937984.10), dbSNP rs777244818, ClinGen allele CA4886436.
Genomic context (GRCh38, chr8:133,239,006, plus strand): 5'-CCAGGTGGGCCCCCTCGCTGGTGTGCGAGCGGCTGCGGGTGCCCTCGCTGGTGTGGGAGC[G>A]GCTTCGGGTGCCCTCGCTGGTGTGGGAGCGGCTGCGGGTGCCATCCAGAGAAGTGACGCT-3'
Protein context (NP_006087.2, residues 343-363): RSHTSEGTRS[Arg353Cys]SHTSEGTRSR

ClinVar aggregate classification (germline): Uncertain significance. Review status: criteria provided, multiple submitters, no conflicts (2 of 4 stars). 5 submissions from 5 submitters: Uncertain significance (4). 1 of the submissions does not count toward it. Last evaluated 2025-08-11.

Conditions:
Inborn genetic diseases. Identifiers: MedGen C0950123, MeSH D030342.
Charcot-Marie-Tooth disease type 4. Also called: Charcot-Marie-Tooth disease, type IV; Charcot-Marie-Tooth, Type 4. Identifiers: Orphanet 64749, MedGen C4082197, MONDO:0018995.
Charcot-Marie-Tooth disease type 4D. Also called: Charcot-Marie-Tooth Neuropathy Type 4D; CHARCOT-MARIE-TOOTH DISEASE, DEMYELINATING, TYPE 4D; NEUROPATHY, HEREDITARY MOTOR AND SENSORY, LOM TYPE; CHARCOT-MARIE-TOOTH DISEASE, DEMYELINATING, AUTOSOMAL RECESSIVE, TYPE 4D. Identifiers: Orphanet 99950, MedGen C1832334, MONDO:0011085, OMIM 601455.

Allele frequency attached by ClinVar (database versions not stated): gnomAD 0.00002; TOPMed 0.00003; gnomAD exomes 0.00004; ExAC 0.00008.
gnomAD v4.1: 77 of 1,596,494 alleles (0.0048%); highest among the groups gnomAD compares: South Asian, 0.0091%; no homozygotes.

Submissions (5):

Labcorp Genetics (formerly Invitae), Labcorp
Classification: Uncertain significance for Charcot-Marie-Tooth disease type 4. Last evaluated: 2025-08-11. Review status: criteria provided, single submitter. Criteria: Invitae Variant Classification Sherloc (09022015). Collection method: clinical testing. Allele origin: germline.
Comment: This sequence change replaces arginine, which is basic and polar, with cysteine, which is neutral and slightly polar, at codon 353 of the NDRG1 protein (p.Arg353Cys). This variant is present in population databases (rs777244818, gnomAD 0.007%). This variant has not been reported in the literature in individuals affected with NDRG1-related conditions. ClinVar contains an entry for this variant (Variation ID: 937984). An algorithm developed to predict the effect of missense changes on protein structure and function (PolyPhen-2) suggests that this variant is likely to be disruptive. In summary, the available evidence is currently insufficient to determine the role of this variant in disease. Therefore, it has been classified as a Variant of Uncertain Significance.

Women's Health and Genetics/Laboratory Corporation of America, LabCorp
Classification: Uncertain significance. Last evaluated: 2024-11-27. Review status: criteria provided, single submitter. Criteria: LabCorp Variant Classification Summary - May 2015. Collection method: clinical testing. Allele origin: germline.
Comment: Variant summary: NDRG1 c.1057C>T (p.Arg353Cys) results in a non-conservative amino acid change in the encoded protein sequence. Three of five in-silico tools predict a damaging effect of the variant on protein function. The variant allele was found at a frequency of 3.7e-05 in 218634 control chromosomes. The available data on variant occurrences in the general population are insufficient to allow any conclusion about variant significance. To our knowledge, no occurrence of c.1057C>T in individuals affected with Charcot-Marie-Tooth disease type 4D and no experimental evidence demonstrating its impact on protein function have been reported. ClinVar contains an entry for this variant (Variation ID: 937984). Based on the evidence outlined above, the variant was classified as uncertain significance.

Athena Diagnostics
Classification: Uncertain significance. Last evaluated: 2023-02-16. Review status: criteria provided, single submitter. Criteria: Athena Diagnostics Criteria. Collection method: clinical testing. Allele origin: unknown.
Comment: Available data are insufficient to determine the clinical significance of the variant at this time. The frequency of this variant in the general population is uninformative in assessment of its pathogenicity. Computational tools predict that this variant is damaging.

Ambry Genetics
Classification: Uncertain significance for Inborn genetic diseases. Last evaluated: 2023-01-31. Review status: criteria provided, single submitter. Criteria: Ambry Variant Classification Scheme 2023. Collection method: clinical testing. Allele origin: germline.

Natera, Inc.
Classification: Uncertain significance for Charcot-Marie-Tooth disease type 4D. Last evaluated: 2020-05-30. Review status: no assertion criteria provided. Collection method: clinical testing. Allele origin: germline. Not counted in ClinVar's aggregate classification.